The following is an entry in ClinVar:

NM_000213.5(ITGB4):c.4444C>T (p.Leu1482=)

Genes: GALK1 (galactokinase 1; minus strand), ITGB4 (integrin subunit beta 4; plus strand). Cytogenetic location: 17q25.1.
Variant type: single nucleotide variant.
Coding change: c.4444C>T on transcript NM_000213.5 (MANE Select); coding-DNA position 4444, C replaced by T.
Protein change: p.Leu1482=; no amino-acid change (leucine 1482 retained).
Molecular consequence: synonymous variant. On other transcripts: intron variant (1).
Genome position (GRCh38, 1-based): chr17:75,754,701, C>T. VCF-style: chr17-75754701-C-T. GRCh37 (hg19) VCF-style: chr17-73750782-C-T.
Other names: c.4234C>T, p.Leu1412= (NM_001005619.2, NM_001005731.3, NM_001321123.2 and 1 more transcripts); c.*23-2964G>A (NM_001381985.1).
Identifiers: ClinVar variation 325193 (VCV000325193.10), dbSNP rs756626295, ClinGen allele CA8770115.
Genomic context (GRCh38, chr17:75,754,701, plus strand): 5'-ACCACGACCAGTGCTGCTGCCTATGGCACCCACCTGAGCCCACACGTGCCCCACCGCGTG[C>T]TAAGCACATCCTCCACCCTCACACGGGACTACAACTCACTGACCCGCTCAGAACACTCAC-3'
Protein context (NP_000204.3, residues 1472-1492): HLSPHVPHRV[Leu1482=]STSSTLTRDY

ClinVar aggregate classification (germline): Conflicting classifications of pathogenicity. Review status: criteria provided, conflicting classifications (1 of 4 stars). 4 submissions from 4 submitters: Uncertain significance (1); Benign (1); Likely benign (2). Last evaluated 2026-04-27.

Conditions:
Junctional epidermolysis bullosa with pyloric atresia. Also called: EPIDERMOLYSIS BULLOSA, JUNCTIONAL 5B, WITH PYLORIC ATRESIA; Junctional Epidermolysis Bullosa- Pyloric Atresia Syndrome; APLASIA CUTIS CONGENITA WITH GASTROINTESTINAL ATRESIA; CARMI SYNDROME; EB-PA-ACC; ITGB4-Related Epidermolysis Bullosa with Pyloric Atresia. Identifiers: Orphanet 79403, MedGen C5676875, MONDO:0009183, OMIM 226730.
ITGB4-related disorder. Also called: ITGB4-related condition.

Allele frequency attached by ClinVar (database versions not stated): gnomAD 0.00005 and below 0.00001; gnomAD exomes 0.00026 and 0.00016; TOPMed below 0.00001; ExAC 0.00031.
gnomAD v4.1: 236 of 1,614,052 alleles (0.015%); highest among the groups gnomAD compares: South Asian, 0.25%; 3 homozygotes.

Submissions (4):

PreventionGenetics, part of Exact Sciences
Classification: Likely benign for ITGB4-related condition. Last evaluated: 2026-04-27. Review status: criteria provided, single submitter. Criteria: ACMG Guidelines, 2015. Collection method: clinical testing. Allele origin: germline.
Comment: This variant is classified as likely benign based on ACMG/AMP sequence variant interpretation guidelines (Richards et al. 2015 PMID: 25741868, with internal and published modifications).

Labcorp Genetics (formerly Invitae), Labcorp
Classification: Benign. Last evaluated: 2025-08-24. Review status: criteria provided, single submitter. Criteria: Invitae Variant Classification Sherloc (09022015). Collection method: clinical testing. Allele origin: germline.

Blueprint Genetics
Classification: Likely benign. Last evaluated: 2024-08-29. Review status: criteria provided, single submitter. Criteria: ACMG Guidelines, 2015. Collection method: clinical testing. Allele origin: germline.

Illumina Laboratory Services, Illumina
Classification: Uncertain significance for Junctional epidermolysis bullosa with pyloric atresia. Last evaluated: 2018-01-13. Review status: criteria provided, single submitter. Criteria: ICSL Variant Classification Criteria 13 December 2019. Collection method: clinical testing. Allele origin: germline.